The following is an entry in ClinVar:

ClinVar aggregate classification (germline): Uncertain significance (1 of 4 stars; one submission).

Conditions:
Cardiovascular phenotype. Identifiers: MedGen CN230736.

Submission:

Ambry Genetics
Classification: Uncertain significance for Cardiovascular phenotype. Last evaluated: 2025-04-06. Review status: criteria provided, single submitter. Criteria: Ambry Variant Classification Scheme 2023. Collection method: clinical testing. Allele origin: germline.
Comment: The p.Y168N variant (also known as c.502T>A), located in coding exon 5 of the SPRED1 gene, results from a T to A substitution at nucleotide position 502. The tyrosine at codon 168 is replaced by asparagine, an amino acid with dissimilar properties. This amino acid position is conserved. In addition, the in silico prediction for this alteration is inconclusive. Based on the available evidence, the clinical significance of this variant remains unclear.

NM_152594.3(SPRED1):c.502T>A (p.Tyr168Asn)

Gene: SPRED1 (sprouty related EVH1 domain containing 1; plus strand). Cytogenetic location: 15q14.
Variant type: single nucleotide variant.
Coding change: c.502T>A on transcript NM_152594.3 (MANE Select); coding-DNA position 502, T replaced by A.
Protein change: p.Tyr168Asn; replaces tyrosine 168 with asparagine.
Molecular consequence: missense variant.
Genome position (GRCh38, 1-based): chr15:38,339,815, T>A. VCF-style: chr15-38339815-T-A. GRCh37 (hg19) VCF-style: chr15-38632016-T-A.
Other names: short protein forms Y168N.
Identifiers: ClinVar variation 3961371 (VCV003961371.1).